The following is an entry in ClinVar:

NM_024334.3(TMEM43):c.631C>G (p.Leu211Val)

Gene: TMEM43 (transmembrane protein 43; plus strand). Cytogenetic location: 3p25.1.
Variant type: single nucleotide variant.
Coding change: c.631C>G on transcript NM_024334.3 (MANE Select); coding-DNA position 631, C replaced by G.
Protein change: p.Leu211Val; replaces leucine 211 with valine.
Molecular consequence: missense variant.
Genome position (GRCh38, 1-based): chr3:14,134,817, C>G. VCF-style: chr3-14134817-C-G. GRCh37 (hg19) VCF-style: chr3-14176317-C-G.
Other names: short protein forms L211V.
Identifiers: ClinVar variation 1171176 (VCV001171176.10), dbSNP rs1209223184, ClinGen allele CA351535527.

ClinVar aggregate classification (germline): Uncertain significance. Review status: criteria provided, multiple submitters, no conflicts (2 of 4 stars). 3 submissions from 3 submitters: Uncertain significance (3). Last evaluated 2024-04-16.

Conditions:
Cardiomyopathy (CMYO). Also called: Cardiomyopathies. Identifiers: Orphanet 167848, MedGen C0878544, MONDO:0004994, HP:0001638. Inheritance: Various modes of inheritance.
Arrhythmogenic right ventricular dysplasia 5. Also called: Arrhythmogenic Right Ventricular Dysplasia/Cardiomyopathy 5; ARRHYTHMOGENIC RIGHT VENTRICULAR DYSPLASIA, FAMILIAL, 5. Identifiers: MedGen C1858379, MONDO:0011459, OMIM 604400.

Allele frequency attached by ClinVar (database versions not stated): gnomAD exomes below 0.00001.
gnomAD v4.1: 2 of 1,614,198 alleles (0.00012%); highest among the groups gnomAD compares: Non-Finnish European, 0.00017%; no homozygotes.

Submissions (3):

All of Us Research Program, National Institutes of Health
Classification: Uncertain significance for Arrhythmogenic right ventricular dysplasia 5. Last evaluated: 2024-04-16. Review status: criteria provided, single submitter. Criteria: ACMG Guidelines, 2015. Collection method: clinical testing. Allele origin: germline. Inheritance: Autosomal dominant inheritance. Observed: 1 variant allele, 1 heterozygote.
Comment: This missense variant replaces leucine with valine at codon 211 of the TMEM43 protein. Computational prediction suggests that this variant may not impact protein structure and function (internally defined REVEL score threshold <= 0.5, PMID: 27666373). To our knowledge, functional studies have not been reported for this variant. This variant has not been reported in individuals affected with cardiovascular disorders in the literature. This variant has been identified in 1/251390 chromosomes in the general population by the Genome Aggregation Database (gnomAD). The available evidence is insufficient to determine the role of this variant in disease conclusively. Therefore, this variant is classified as a Variant of Uncertain Significance.

This study involves interpretation of variants in research participants for the purpose of population health screening. Participant phenotype was not available at the time of variant classification. Additional details can be found in publication PMID: 35346344, PMCID: PMC8962531

Color Diagnostics, LLC DBA Color Health
Classification: Uncertain significance for Cardiomyopathy. Last evaluated: 2024-03-06. Review status: criteria provided, single submitter. Criteria: ACMG Guidelines, 2015. Collection method: clinical testing. Allele origin: germline.
Comment: This missense variant replaces leucine with valine at codon 211 of the TMEM43 protein. Computational prediction suggests that this variant may not impact protein structure and function (internally defined REVEL score threshold <= 0.5, PMID: 27666373). To our knowledge, functional studies have not been reported for this variant. This variant has not been reported in individuals affected with cardiovascular disorders in the literature. This variant has been identified in 1/251390 chromosomes in the general population by the Genome Aggregation Database (gnomAD). The available evidence is insufficient to determine the role of this variant in disease conclusively. Therefore, this variant is classified as a Variant of Uncertain Significance.

Labcorp Genetics (formerly Invitae), Labcorp
Classification: Uncertain significance for Arrhythmogenic right ventricular dysplasia 5. Last evaluated: 2023-07-08. Review status: criteria provided, single submitter. Criteria: Invitae Variant Classification Sherloc (09022015). Collection method: clinical testing. Allele origin: germline.
Comment: This sequence change replaces leucine, which is neutral and non-polar, with valine, which is neutral and non-polar, at codon 211 of the TMEM43 protein (p.Leu211Val). This variant is present in population databases (no rsID available, gnomAD 0.0009%). This variant has not been reported in the literature in individuals affected with TMEM43-related conditions. ClinVar contains an entry for this variant (Variation ID: 1171176). Advanced modeling of protein sequence and biophysical properties (such as structural, functional, and spatial information, amino acid conservation, physicochemical variation, residue mobility, and thermodynamic stability) performed at Invitae indicates that this missense variant is not expected to disrupt TMEM43 protein function. In summary, the available evidence is currently insufficient to determine the role of this variant in disease. Therefore, it has been classified as a Variant of Uncertain Significance.